The following is an entry in ClinVar:

ClinVar aggregate classification (germline): Uncertain significance (1 of 4 stars; one submission).

gnomAD v4.1: 17 of 1,609,560 alleles (0.0011%); highest among the groups gnomAD compares: Admixed American, 0.0017%; no homozygotes.

Submission:

Labcorp Genetics (formerly Invitae), Labcorp
Classification: Uncertain significance. Last evaluated: 2025-06-18. Review status: criteria provided, single submitter. Criteria: Invitae Variant Classification Sherloc (09022015). Collection method: clinical testing. Allele origin: germline.
Comment: This sequence change affects codon 398 of the RFWD3 mRNA. It is a 'silent' change, meaning that it does not change the encoded amino acid sequence of the RFWD3 protein. This variant also falls at the last nucleotide of exon 7, which is part of the consensus splice site for this exon. This variant is present in population databases (rs754795685, gnomAD 0.003%). This variant has not been reported in the literature in individuals affected with RFWD3-related conditions. Variants that disrupt the consensus splice site are a relatively common cause of aberrant splicing (PMID: 17576681, 9536098). Algorithms developed to predict the effect of sequence changes on RNA splicing suggest that this variant may disrupt the consensus splice site. In summary, the available evidence is currently insufficient to determine the role of this variant in disease. Therefore, it has been classified as a Variant of Uncertain Significance.

Literature cited by the submitters: PubMed 17576681; PubMed 9536098.

NM_018124.4(RFWD3):c.1194G>A (p.Gln398=)

Gene: RFWD3 (ring finger and WD repeat domain 3; minus strand). Cytogenetic location: 16q23.1.
Variant type: single nucleotide variant.
Coding change: c.1194G>A on transcript NM_018124.4 (MANE Select); coding-DNA position 1194, G replaced by A.
Protein change: p.Gln398=; no amino-acid change (glutamine 398 retained).
Molecular consequence: synonymous variant.
Genome position (GRCh38, 1-based): chr16:74,637,856, C>T on the plus strand (G>A on the coding strand, the complement: RFWD3 is on the minus strand). VCF-style: chr16-74637856-C-T. GRCh37 (hg19) VCF-style: chr16-74671754-C-T.
Other names: c.1194G>A, p.Gln398= (NM_001370534.1, NM_001370535.1, NM_001370536.1); c.360G>A, p.Gln120= (NM_001370537.1, NM_001370539.1, NM_001370540.1 and 2 more transcripts).
Identifiers: ClinVar variation 4753498 (VCV004753498.1).